The following is an entry in ClinVar:

ClinVar aggregate classification (germline): Uncertain significance. Review status: criteria provided, multiple submitters, no conflicts (2 of 4 stars). 2 submissions from 2 submitters: Uncertain significance (2). Last evaluated 2024-10-24.

Conditions:
Severe combined immunodeficiency due to DNA-PKcs deficiency. Also called: IMMUNODEFICIENCY 26 WITH NEUROLOGIC ABNORMALITIES; Immunodeficiency 26 with or without neurologic abnormalities. Identifiers: Orphanet 317425, MedGen C4014833, MONDO:0014423, OMIM 615966.

Allele frequency attached by ClinVar (database versions not stated): gnomAD 0.00001; ExAC 0.00003; gnomAD exomes 0.00003 and 0.00004; TOPMed 0.00003.
gnomAD v4.1: 57 of 1,611,958 alleles (0.0035%); highest among the groups gnomAD compares: Non-Finnish European, 0.0045%; no homozygotes.

Submissions (2):

Labcorp Genetics (formerly Invitae), Labcorp
Classification: Uncertain significance for Severe combined immunodeficiency due to DNA-PKcs deficiency. Last evaluated: 2024-10-24. Review status: criteria provided, single submitter. Criteria: Invitae Variant Classification Sherloc (09022015). Collection method: clinical testing. Allele origin: germline.
Comment: This sequence change replaces alanine, which is neutral and non-polar, with threonine, which is neutral and polar, at codon 3949 of the PRKDC protein (p.Ala3949Thr). This variant is present in population databases (rs770795091, gnomAD 0.003%). This variant has not been reported in the literature in individuals affected with PRKDC-related conditions. ClinVar contains an entry for this variant (Variation ID: 1003583). Invitae Evidence Modeling of protein sequence and biophysical properties (such as structural, functional, and spatial information, amino acid conservation, physicochemical variation, residue mobility, and thermodynamic stability) indicates that this missense variant is expected to disrupt PRKDC protein function with a positive predictive value of 80%. In summary, the available evidence is currently insufficient to determine the role of this variant in disease. Therefore, it has been classified as a Variant of Uncertain Significance.

Blueprint Genetics
Classification: Uncertain significance. Last evaluated: 2024-07-08. Review status: criteria provided, single submitter. Criteria: ACMG Guidelines, 2015. Collection method: clinical testing. Allele origin: germline.

NM_006904.7(PRKDC):c.11845G>A (p.Ala3949Thr)

Gene: PRKDC (protein kinase, DNA-activated, catalytic subunit; minus strand). Cytogenetic location: 8q11.21.
Variant type: single nucleotide variant.
Coding change: c.11845G>A on transcript NM_006904.7 (MANE Select); coding-DNA position 11845, G replaced by A.
Protein change: p.Ala3949Thr; replaces alanine 3949 with threonine.
Molecular consequence: missense variant.
Genome position (GRCh38, 1-based): chr8:47,778,467, C>T on the plus strand (G>A on the coding strand, the complement: PRKDC is on the minus strand). VCF-style: chr8-47778467-C-T. GRCh37 (hg19) VCF-style: chr8-48691028-C-T.
Other names: c.11752G>A, p.Ala3918Thr (NM_001081640.2); short protein forms A3918T, A3949T.
Identifiers: ClinVar variation 1003583 (VCV001003583.5), dbSNP rs770795091, ClinGen allele CA4738980.